The following is an entry in ClinVar:

NM_000275.3(OCA2):c.2339-2A>T

Gene: OCA2 (OCA2 melanosomal transmembrane protein; minus strand). Cytogenetic location: 15q13.1.
Variant type: single nucleotide variant.
Coding change: c.2339-2A>T on transcript NM_000275.3 (MANE Select); the canonical splice acceptor site of the intron before coding-DNA position 2339, A replaced by T.
Molecular consequence: splice acceptor variant.
Genome position (GRCh38, 1-based): chr15:27,845,054, T>A on the plus strand (A>T on the coding strand, the complement: OCA2 is on the minus strand). VCF-style: chr15-27845054-T-A. GRCh37 (hg19) VCF-style: chr15-28090200-T-A.
Other names: c.2267-2A>T (NM_001300984.2).
Identifiers: ClinVar variation 4723987 (VCV004723987.1).

ClinVar aggregate classification (germline): Pathogenic (1 of 4 stars; one submission).

Submission:

Labcorp Genetics (formerly Invitae), Labcorp
Classification: Pathogenic. Last evaluated: 2025-07-24. Review status: criteria provided, single submitter. Criteria: Invitae Variant Classification Sherloc (09022015). Collection method: clinical testing. Allele origin: germline.
Comment: This sequence change affects an acceptor splice site in intron 22 of the OCA2 gene. It is expected to disrupt RNA splicing. Variants that disrupt the donor or acceptor splice site typically lead to a loss of protein function (PMID: 16199547), and loss-of-function variants in OCA2 are known to be pathogenic (PMID: 19865097, 21541274). This variant is not present in population databases (gnomAD no frequency). Disruption of this splice site has been observed in individual(s) with oculocutaneous albinism (PMID: 29437493). In at least one individual the data is consistent with being in trans (on the opposite chromosome) from a pathogenic variant. Algorithms developed to predict the effect of sequence changes on RNA splicing suggest that this variant may disrupt the consensus splice site. For these reasons, this variant has been classified as Pathogenic.

Literature cited by the submitters: PubMed 16199547; PubMed 19865097; PubMed 21541274; PubMed 29437493.